The following is an entry in ClinVar:

ClinVar aggregate classification (germline): Uncertain significance. Review status: criteria provided, multiple submitters, no conflicts (2 of 4 stars). 2 submissions from 2 submitters: Uncertain significance (2). Last evaluated 2026-01-20.

Conditions:
Hereditary cancer-predisposing syndrome. Also called: Hereditary Cancer Syndrome; Neoplastic Syndromes, Hereditary; Hereditary neoplastic syndrome; Tumor predisposition. Identifiers: Orphanet 140162, MedGen C0027672, MeSH D009386, MONDO:0015356.
DICER1-related tumor predisposition. Also called: DICER1-related pleuropulmonary blastoma cancer predisposition syndrome; DICER1 syndrome. Identifiers: Orphanet 284343, MedGen C3839822, MONDO:0100216.

Submissions (2):

Labcorp Genetics (formerly Invitae), Labcorp
Classification: Uncertain significance for DICER1-related tumor predisposition. Last evaluated: 2026-01-20. Review status: criteria provided, single submitter. Criteria: Invitae Variant Classification Sherloc (09022015). Collection method: clinical testing. Allele origin: germline.
Comment: This sequence change replaces serine, which is neutral and polar, with leucine, which is neutral and non-polar, at codon 855 of the DICER1 protein (p.Ser855Leu). This variant is not present in population databases (gnomAD no frequency). This variant has not been reported in the literature in individuals affected with DICER1-related conditions. ClinVar contains an entry for this variant (Variation ID: 821492). Invitae Evidence Modeling of protein sequence and biophysical properties (such as structural, functional, and spatial information, amino acid conservation, physicochemical variation, residue mobility, and thermodynamic stability) has been performed for this missense variant. However, the output from this modeling did not meet the statistical confidence thresholds required to predict the impact of this variant on DICER1 protein function. In summary, the available evidence is currently insufficient to determine the role of this variant in disease. Therefore, it has been classified as a Variant of Uncertain Significance.

Ambry Genetics
Classification: Uncertain significance for Hereditary cancer-predisposing syndrome. Last evaluated: 2019-09-16. Review status: criteria provided, single submitter. Criteria: Ambry Variant Classification Scheme 2023. Collection method: clinical testing. Allele origin: germline.
Comment: The p.S855L variant (also known as c.2564C>T), located in coding exon 15 of the DICER1 gene, results from a C to T substitution at nucleotide position 2564. The serine at codon 855 is replaced by leucine, an amino acid with dissimilar properties. This amino acid position is highly conserved in available vertebrate species. In addition, this alteration is predicted to be deleterious by in silico analysis. Since supporting evidence is limited at this time, the clinical significance of this alteration remains unclear.

NM_177438.3(DICER1):c.2564C>T (p.Ser855Leu)

Gene: DICER1 (dicer 1, ribonuclease III; minus strand). Cytogenetic location: 14q32.13.
Variant type: single nucleotide variant.
Coding change: c.2564C>T on transcript NM_177438.3 (MANE Select); coding-DNA position 2564, C replaced by T.
Protein change: p.Ser855Leu; replaces serine 855 with leucine.
Molecular consequence: missense variant.
Genome position (GRCh38, 1-based): chr14:95,107,966, G>A on the plus strand (C>T on the coding strand, the complement: DICER1 is on the minus strand). VCF-style: chr14-95107966-G-A. GRCh37 (hg19) VCF-style: chr14-95574303-G-A.
Other names: c.2564C>T, p.Ser855Leu (NM_001195573.1, NM_001271282.3, NM_001291628.2 and 1 more transcripts); short protein forms S855L.
Identifiers: ClinVar variation 821492 (VCV000821492.5), dbSNP rs1595380387, ClinGen allele CA390881660.
Genomic context (GRCh38, chr14:95,107,966, plus strand): 5'-GCTGAATCAGCGTCTGTAGGTTTAAATTCTAGTGCAGGTTTTTCAAGCCGAAGAATATGT[G>A]AGAATATATACTGGTGAAGTCTTGTAATCAACTCAAGCATTTGTAGAGACAACATGAAAC-3'
Protein context (NP_803187.1, residues 845-865): LITRLHQYIF[Ser855Leu]HILRLEKPAL